The following is an entry in ClinVar:

ClinVar aggregate classification (germline): Likely benign (1 of 4 stars; one submission).

gnomAD v4.1: 764 of 1,613,898 alleles (0.047%); highest among the groups gnomAD compares: Non-Finnish European, 0.057%; 1 homozygote.

Submission:

CeGaT Center for Human Genetics Tuebingen
Classification: Likely benign. Last evaluated: 2026-06-01. Review status: criteria provided, single submitter. Criteria: CeGaT Center For Human Genetics Tuebingen Variant Classification Criteria Version 2. Collection method: clinical testing. Allele origin: germline. Affected: yes. Observed: 1 variant allele.
Comment: ERAP1: BP4, BP7

NM_001040458.3(ERAP1):c.348G>T (p.Ser116=)

Gene: ERAP1 (endoplasmic reticulum aminopeptidase 1; minus strand). Cytogenetic location: 5q15.
Variant type: single nucleotide variant.
Coding change: c.348G>T on transcript NM_001040458.3 (MANE Select); coding-DNA position 348, G replaced by T.
Protein change: p.Ser116=; no amino-acid change (serine 116 retained).
Molecular consequence: synonymous variant.
Genome position (GRCh38, 1-based): chr5:96,803,579, C>A on the plus strand (G>T on the coding strand, the complement: ERAP1 is on the minus strand). VCF-style: chr5-96803579-C-A. GRCh37 (hg19) VCF-style: chr5-96139282-C-A.
Other names: c.348G>T, p.Ser116= (NM_001198541.3, NM_001349244.2, NM_016442.5).
Identifiers: ClinVar variation 4872739 (VCV004872739.2).